The following is an entry in ClinVar:

ClinVar aggregate classification (germline): Uncertain significance (1 of 4 stars; one submission).

Submission:

GeneDx
Classification: Uncertain significance. Last evaluated: 2024-07-25. Review status: criteria provided, single submitter. Criteria: GeneDx Variant Classification Process June 2021. Collection method: clinical testing. Allele origin: germline. Affected: yes.
Comment: In silico analysis supports a deleterious effect on splicing; Has not been previously published as pathogenic or benign to our knowledge; No data available from control populations to assess the frequency of this variant

NM_005211.4(CSF1R):c.-181+2T>G

Genes: CSF1R (colony stimulating factor 1 receptor; minus strand), LOC111188152 (CSF1R promoter E1; plus strand). Cytogenetic location: 5q32.
Variant type: single nucleotide variant.
Coding change: c.-181+2T>G on transcript NM_005211.4; the canonical splice donor site of the intron after 181 bases upstream of the start codon, T replaced by G.
Molecular consequence: splice donor variant.
Genome position (GRCh38, 1-based): chr5:150,113,259, A>C on the plus strand (T>G on the coding strand, the complement: CSF1R is on the minus strand). VCF-style: chr5-150113259-A-C. GRCh37 (hg19) VCF-style: chr5-149492822-A-C.
Other names: c.-396+2T>G (NM_001375321.1); c.-286+2T>G (NM_001375320.1).
Identifiers: ClinVar variation 3600713 (VCV003600713.1).
Genomic context (GRCh38, chr5:150,113,259, plus strand): 5'-TACACCTCTCTGCCCTCAAAGCCACAGCCTGGTCGCCACCCTATTCCCTCCCCTGTCCTT[A>C]CCCTGGCCGCAGTTCCCTCCGCTTCCTCTCTTCCTCTTCCTCTTCCTCTTCTCTCTTCTC-3'